The following is an entry in ClinVar:

ClinVar aggregate classification (germline): Uncertain significance (1 of 4 stars; one submission).

Conditions:
Werner syndrome (WRN). Identifiers: Orphanet 902, MedGen C0043119, MONDO:0010196, OMIM 277700.

Allele frequency attached by ClinVar (database versions not stated): TOPMed below 0.00001; gnomAD 0.00001.
gnomAD v4.1: 1 of 1,613,990 alleles (0.000062%); highest among the groups gnomAD compares: Non-Finnish European, 0.000085%; no homozygotes.

Submission:

Labcorp Genetics (formerly Invitae), Labcorp
Classification: Uncertain significance for Werner syndrome. Last evaluated: 2022-06-03. Review status: criteria provided, single submitter. Criteria: Invitae Variant Classification Sherloc (09022015). Collection method: clinical testing. Allele origin: germline.
Comment: In summary, the available evidence is currently insufficient to determine the role of this variant in disease. Therefore, it has been classified as a Variant of Uncertain Significance. Algorithms developed to predict the effect of missense changes on protein structure and function are either unavailable or do not agree on the potential impact of this missense change (SIFT: "Not Available"; PolyPhen-2: "Possibly Damaging"; Align-GVGD: "Not Available"). ClinVar contains an entry for this variant (Variation ID: 1397689). This variant has not been reported in the literature in individuals affected with WRN-related conditions. This variant is not present in population databases (gnomAD no frequency). This sequence change replaces glycine, which is neutral and non-polar, with alanine, which is neutral and non-polar, at codon 1026 of the WRN protein (p.Gly1026Ala).

NM_000553.6(WRN):c.3077G>C (p.Gly1026Ala)

Gene: WRN (WRN RecQ like helicase; plus strand). Cytogenetic location: 8p12.
Variant type: single nucleotide variant.
Coding change: c.3077G>C on transcript NM_000553.6 (MANE Select); coding-DNA position 3077, G replaced by C.
Protein change: p.Gly1026Ala; replaces glycine 1026 with alanine.
Molecular consequence: missense variant.
Genome position (GRCh38, 1-based): chr8:31,141,539, G>C. VCF-style: chr8-31141539-G-C. GRCh37 (hg19) VCF-style: chr8-30999055-G-C.
Other names: short protein forms G1026A.
Identifiers: ClinVar variation 1397689 (VCV001397689.6), dbSNP rs1185861750, ClinGen allele CA370922234.
Genomic context (GRCh38, chr8:31,141,539, plus strand): 5'-CTGGCAAGGATCAAACAGAGAGTTGGTGGAAGGCTTTTTCCCGTCAGCTGATCACTGAGG[G>C]ATTCTTGGTAGAAGTTTCTCGGTATAACAAATTTATGAAGATTTGCGCCCTTACGAAAAA-3'
Protein context (NP_000544.2, residues 1016-1036): KAFSRQLITE[Gly1026Ala]FLVEVSRYNK